The following is an entry in ClinVar:

ClinVar aggregate classification (germline): Pathogenic/Likely pathogenic. Review status: criteria provided, multiple submitters, no conflicts (2 of 4 stars). 2 submissions from 2 submitters: Pathogenic (1); Likely pathogenic (1). Last evaluated 2025-09-29.

Conditions:
Cardiovascular phenotype. Identifiers: MedGen CN230736.
DMD-related disorder. Also called: DMD-related condition.

Submissions (2):

PreventionGenetics, part of Exact Sciences
Classification: Likely pathogenic for DMD-related condition. Last evaluated: 2025-09-29. Review status: criteria provided, single submitter. Criteria: ACMG Guidelines, 2015. Collection method: clinical testing. Allele origin: germline.
Comment: The DMD c.6306delT variant is predicted to result in a frameshift and premature protein termination (p.Val2103Leufs*11). To our knowledge, this variant has not been reported in the literature or in a large population database (gnomAD), indicating this variant is rare. Frameshift variants in DMD are expected to be pathogenic. This variant is interpreted as likely pathogenic.

Ambry Genetics
Classification: Pathogenic for Cardiovascular phenotype. Last evaluated: 2022-12-05. Review status: criteria provided, single submitter. Criteria: Ambry Variant Classification Scheme 2023. Collection method: clinical testing. Allele origin: germline.
Comment: The c.6306delT pathogenic mutation, located in coding exon 44 of the DMD gene, results from a deletion of one nucleotide at nucleotide position 6306, causing a translational frameshift with a predicted alternate stop codon (p.V2103Lfs*11). This variant is considered to be rare based on population cohorts in the Genome Aggregation Database (gnomAD). This alteration is expected to result in loss of function by premature protein truncation or nonsense-mediated mRNA decay. As such, this alteration is interpreted as a disease-causing mutation.

NM_004006.3(DMD):c.6306del (p.Val2103fs)

Gene: DMD (dystrophin; minus strand). Cytogenetic location: Xp21.1.
Variant type: Deletion.
Coding change: c.6306del on transcript NM_004006.3 (MANE Select); coding-DNA position 6306, one base deleted (T; older notation c.6306delT).
Protein change: p.Val2103fs; shifts the reading frame from valine 2103.
Molecular consequence: frameshift variant.
Genome position (GRCh38, 1-based): chrX:32,217,048, A deleted on the plus strand (T on the coding strand, the reverse complement: DMD is on the minus strand). VCF-style (leftmost placement, unchanged base first): chrX-32217047-CA-C. GRCh37 (hg19) VCF-style: chrX-32235164-CA-C.
Other names: c.6282del, p.Val2095fs (NM_000109.4); c.6294del, p.Val2099fs (NM_004009.3); c.5937del, p.Val1980fs (NM_004010.3); c.2283del, p.Val762fs (NM_004011.4); c.2274del, p.Val759fs (NM_004012.4); short protein forms V1980fs, V2095fs, V2099fs, V2103fs, V759fs, V762fs.
Identifiers: ClinVar variation 2450341 (VCV002450341.3), dbSNP rs2519059881, ClinGen allele CA2580100637.